The following is an entry in ClinVar:

NM_207037.2(TCF12):c.1720A>C (p.Lys574Gln)

Gene: TCF12 (transcription factor 12; plus strand). Cytogenetic location: 15q21.3.
Variant type: single nucleotide variant.
Coding change: c.1720A>C on transcript NM_207037.2 (MANE Select); coding-DNA position 1720, A replaced by C.
Protein change: p.Lys574Gln; replaces lysine 574 with glutamine.
Molecular consequence: missense variant.
Genome position (GRCh38, 1-based): chr15:57,263,249, A>C. VCF-style: chr15-57263249-A-C. GRCh37 (hg19) VCF-style: chr15-57555447-A-C.
Other names: c.1210A>C, p.Lys404Gln (NM_001306219.3); c.940A>C, p.Lys314Gln (NM_001306220.3); c.1720A>C, p.Lys574Gln (NM_001322151.2, NM_001322152.2, NM_001322159.3 and 2 more transcripts); c.1063A>C, p.Lys355Gln (NM_001322154.2); c.1546A>C, p.Lys516Gln (NM_001322156.2); c.1648A>C, p.Lys550Gln (NM_001322157.3, NM_001322165.2, NM_003205.4 and 1 more transcripts); c.1474A>C, p.Lys492Gln (NM_001322158.2); c.1717A>C, p.Lys573Gln (NM_001322161.2); and 2 more; short protein forms K574Q, K492Q, K550Q, K314Q, K355Q, K404Q, K573Q, K380Q.
Identifiers: ClinVar variation 374376 (VCV000374376.2), dbSNP rs1057518720, ClinGen allele CA16043688.
Genomic context (GRCh38, chr15:57,263,249, plus strand): 5'-CATGAACCTCCTTCATCAGATGACATGAAGTCAGATGATGAATCCTCCCAAAAAGATATC[A>C]AGGTTTCATCTAGAGGCAGAACAAGGTATTTGTTAGCATCCAGGTTTTAAATTTTATTCA-3'
Protein context (NP_996920.1, residues 564-584): SDDESSQKDI[Lys574Gln]VSSRGRTSST

ClinVar aggregate classification (germline): Uncertain significance (0 of 4 stars; one submission).

Conditions:
TCF12-related craniosynostosis. Also called: Craniosynostosis 3. Identifiers: Orphanet 35098, Orphanet 35099, Orphanet 672979, MedGen C3715051, MONDO:0014128, OMIM 615314.

Allele frequency attached by ClinVar (database versions not stated): gnomAD exomes below 0.00001 and 0.00001; gnomAD 0.00001; TOPMed 0.00001.
gnomAD v4.1: 9 of 1,610,868 alleles (0.00056%); highest among the groups gnomAD compares: Admixed American, 0.0017%; no homozygotes.

Submission:

Baylor Genetics
Classification: Uncertain significance for TCF12-related craniosynostosis. Last evaluated: 2014-03-13. Review status: no assertion criteria provided. Collection method: clinical testing. Allele origin: germline. Inheritance: Autosomal recessive inheritance. Affected: yes. Observed: 1 variant allele, 1 homozygote.